The following is an entry in ClinVar:

NM_152296.5(ATP1A3):c.2203G>A (p.Ala735Thr)

Gene: ATP1A3 (ATPase Na+/K+ transporting subunit alpha 3; minus strand). Cytogenetic location: 19q13.2.
Variant type: single nucleotide variant.
Coding change: c.2203G>A on transcript NM_152296.5 (MANE Select); coding-DNA position 2203, G replaced by A.
Protein change: p.Ala735Thr; replaces alanine 735 with threonine.
Molecular consequence: missense variant.
Genome position (GRCh38, 1-based): chr19:41,975,689, C>T on the plus strand (G>A on the coding strand, the complement: ATP1A3 is on the minus strand). VCF-style: chr19-41975689-C-T. GRCh37 (hg19) VCF-style: chr19-42479841-C-T.
Other names: c.2236G>A, p.Ala746Thr (NM_001256213.2); c.2242G>A, p.Ala748Thr (NM_001256214.2); short protein forms A735T, A746T, A748T.
Identifiers: ClinVar variation 855209 (VCV000855209.12), dbSNP rs2075158274, ClinGen allele CA406041838.
Genomic context (GRCh38, chr19:41,975,689, plus strand): 5'-CCTCCTCCACCCCTGTGACGATGGAGGCAAAGTTGTCGTCCAGCAGGATCATGTCAGCTG[C>T]CTGCTTGGAGACGTCAGAGCCAGCGATGCCCATGGCCACCCCAATGTCGGCCTTCTTCAG-3'
Protein context (NP_689509.1, residues 725-745): GIAGSDVSKQ[Ala735Thr]ADMILLDDNF

ClinVar aggregate classification (germline): Uncertain significance. Review status: criteria provided, multiple submitters, no conflicts (2 of 4 stars). 2 submissions from 2 submitters: Uncertain significance (2). Last evaluated 2023-06-29.

Conditions:
Dystonia 12 (DYT12). Also called: DYT-ATP1A3; Rapid-Onset Dystonia-Parkinsonism (RDP). Identifiers: Orphanet 71517, MedGen C1868681, MONDO:0007496, OMIM 128235.

Submissions (2):

GeneDx
Classification: Uncertain significance. Last evaluated: 2023-06-29. Review status: criteria provided, single submitter. Criteria: GeneDx Variant Classification Process June 2021. Collection method: clinical testing. Allele origin: germline. Affected: yes.
Comment: Not observed at significant frequency in large population cohorts (gnomAD); In silico analysis supports that this missense variant has a deleterious effect on protein structure/function; Has not been previously published as pathogenic or benign to our knowledge

Labcorp Genetics (formerly Invitae), Labcorp
Classification: Uncertain significance for Dystonia 12. Last evaluated: 2023-05-05. Review status: criteria provided, single submitter. Criteria: Invitae Variant Classification Sherloc (09022015). Collection method: clinical testing. Allele origin: germline.
Comment: This sequence change replaces alanine, which is neutral and non-polar, with threonine, which is neutral and polar, at codon 735 of the ATP1A3 protein (p.Ala735Thr). This variant is not present in population databases (gnomAD no frequency). This variant has not been reported in the literature in individuals affected with ATP1A3-related conditions. ClinVar contains an entry for this variant (Variation ID: 855209). Advanced modeling of protein sequence and biophysical properties (such as structural, functional, and spatial information, amino acid conservation, physicochemical variation, residue mobility, and thermodynamic stability) performed at Invitae indicates that this missense variant is expected to disrupt ATP1A3 protein function. In summary, the available evidence is currently insufficient to determine the role of this variant in disease. Therefore, it has been classified as a Variant of Uncertain Significance.